The following is an entry in ClinVar:

ClinVar aggregate classification (germline): Uncertain significance (1 of 4 stars; one submission).

Conditions:
Microcephaly, normal intelligence and immunodeficiency (NBS). Also called: Nijmegen breakage syndrome; Microcephaly with normal intelligence immunodeficiency and lymphoreticular malignancies; Nonsyndromal microcephaly autosomal recessive with normal intelligence; Seemanova syndrome 2; BERLIN BREAKAGE SYNDROME; IMMUNODEFICIENCY, MICROCEPHALY, AND CHROMOSOMAL INSTABILITY. Identifiers: Orphanet 647, MedGen C0398791, MONDO:0009623, OMIM 251260.

Submission:

Labcorp Genetics (formerly Invitae), Labcorp
Classification: Uncertain significance for Microcephaly, normal intelligence and immunodeficiency. Last evaluated: 2024-07-08. Review status: criteria provided, single submitter. Criteria: Invitae Variant Classification Sherloc (09022015). Collection method: clinical testing. Allele origin: germline.
Comment: This sequence change replaces lysine, which is basic and polar, with glutamic acid, which is acidic and polar, at codon 635 of the NBN protein (p.Lys635Glu). This variant is not present in population databases (gnomAD no frequency). This variant has not been reported in the literature in individuals affected with NBN-related conditions. ClinVar contains an entry for this variant (Variation ID: 971867). An algorithm developed to predict the effect of missense changes on protein structure and function (PolyPhen-2) suggests that this variant is likely to be tolerated. RNA analysis performed to evaluate the impact of this missense change on mRNA splicing indicates it does not significantly alter splicing (Invitae). In summary, the available evidence is currently insufficient to determine the role of this variant in disease. Therefore, it has been classified as a Variant of Uncertain Significance.

NM_002485.5(NBN):c.1903A>G (p.Lys635Glu)

Genes: NBN (nibrin; minus strand), LOC126860438 (MED14-independent group 3 enhancer GRCh37_chr8:90959982-90961181; plus strand). Cytogenetic location: 8q21.3.
Variant type: single nucleotide variant.
Coding change: c.1903A>G on transcript NM_002485.5 (MANE Select); coding-DNA position 1903, A replaced by G.
Protein change: p.Lys635Glu; replaces lysine 635 with glutamic acid.
Molecular consequence: missense variant.
Genome position (GRCh38, 1-based): chr8:89,947,835, T>C on the plus strand (A>G on the coding strand, the complement: NBN is on the minus strand). VCF-style: chr8-89947835-T-C. GRCh37 (hg19) VCF-style: chr8-90960063-T-C.
Other names: c.1657A>G, p.Lys553Glu (NM_001024688.3); short protein forms K553E, K635E.
Identifiers: ClinVar variation 971867 (VCV000971867.10), dbSNP rs587782545, ClinGen allele CA371677204.